The following is an entry in ClinVar:

NM_133433.4(NIPBL):c.300G>A (p.Leu100=)

Gene: NIPBL (NIPBL cohesin loading factor; plus strand). Cytogenetic location: 5p13.2.
Variant type: single nucleotide variant.
Coding change: c.300G>A on transcript NM_133433.4 (MANE Select); coding-DNA position 300, G replaced by A.
Protein change: p.Leu100=; no amino-acid change (leucine 100 retained).
Molecular consequence: synonymous variant.
Genome position (GRCh38, 1-based): chr5:36,958,173, G>A. VCF-style: chr5-36958173-G-A. GRCh37 (hg19) VCF-style: chr5-36958275-G-A.
Other names: c.300G>A, p.Leu100= (NM_015384.5); c.300G>A (NM_133433.3).
Identifiers: ClinVar variation 1656729 (VCV001656729.10), dbSNP rs768550843, ClinGen allele CA3235778.

ClinVar aggregate classification (germline): Likely benign. Review status: criteria provided, single submitter (1 of 4 stars). 2 submissions from 2 submitters: Likely benign (1). 1 of the submissions does not count toward it. Last evaluated 2024-04-22.

Conditions:
NIPBL-related disorder. Also called: NIPBL-related condition.
Cornelia de Lange syndrome 1 (CDLS1). Also called: TYPUS DEGENERATIVUS AMSTELODAMENSIS; Brachmann de Lange syndrome; NIPBL-Related Cornelia de Lange Syndrome. Identifiers: Orphanet 199, MedGen C4551851, MONDO:0007387, OMIM 122470.

Allele frequency attached by ClinVar (database versions not stated): gnomAD exomes below 0.00001 and 0.00002; ExAC 0.00001; gnomAD 0.00002; TOPMed 0.00002.
gnomAD v4.1: 36 of 1,613,850 alleles (0.0022%); highest among the groups gnomAD compares: Non-Finnish European, 0.003%; no homozygotes.

Submissions (2):

Labcorp Genetics (formerly Invitae), Labcorp
Classification: Likely benign for Cornelia de Lange syndrome 1. Last evaluated: 2024-04-22. Review status: criteria provided, single submitter. Criteria: Invitae Variant Classification Sherloc (09022015). Collection method: clinical testing. Allele origin: germline.

PreventionGenetics, part of Exact Sciences
Classification: Likely benign for NIPBL-related condition. Last evaluated: 2019-03-05. Review status: no assertion criteria provided. Collection method: clinical testing. Allele origin: germline. Not counted in ClinVar's aggregate classification.
Comment: This variant is classified as likely benign based on ACMG/AMP sequence variant interpretation guidelines (Richards et al. 2015 PMID: 25741868, with internal and published modifications).